The following is an entry in ClinVar:

ClinVar aggregate classification (germline): Uncertain significance. Review status: criteria provided, multiple submitters, no conflicts (2 of 4 stars). 2 submissions from 2 submitters: Uncertain significance (2). Last evaluated 2026-02-26.

Conditions:
Autosomal recessive ataxia, Beauce type. Also called: Spinocerebellar ataxia, autosomal recessive 8; SYNE1 Deficiency; SYNE1-Related Autosomal Recessive Cerebellar Ataxia; ATAXIA, RECESSIVE, OF BEAUCE. Identifiers: Orphanet 88644, MedGen C1853116, MONDO:0012549, OMIM 610743.
Emery-Dreifuss muscular dystrophy 4, autosomal dominant (EDMD4). Also called: EMERY-DREIFUSS MUSCULAR DYSTROPHY 4 WITH VARIABLE FEATURES. Identifiers: Orphanet 261, MedGen C2751807, MONDO:0013071, OMIM 612998.

Allele frequency attached by ClinVar (database versions not stated): TOPMed below 0.00001.
gnomAD v4.1: 2 of 1,614,176 alleles (0.00012%); highest among the groups gnomAD compares: Admixed American, 0.0033%; no homozygotes.

Submissions (2):

GeneDx
Classification: Uncertain significance. Last evaluated: 2026-02-26. Review status: criteria provided, single submitter. Criteria: GeneDx Variant Classification Process June 2021. Collection method: clinical testing. Allele origin: germline.
Comment: Not observed at significant frequency in large population cohorts (gnomAD); In silico analysis suggests that this missense variant does not alter protein structure/function; Has not been previously published as pathogenic or benign to our knowledge

Labcorp Genetics (formerly Invitae), Labcorp
Classification: Uncertain significance for Emery-Dreifuss muscular dystrophy 4, autosomal dominant; Autosomal recessive ataxia, Beauce type. Last evaluated: 2024-01-03. Review status: criteria provided, single submitter. Criteria: Invitae Variant Classification Sherloc (09022015). Collection method: clinical testing. Allele origin: germline.
Comment: This sequence change replaces alanine, which is neutral and non-polar, with valine, which is neutral and non-polar, at codon 8282 of the SYNE1 protein (p.Ala8282Val). This variant is present in population databases (no rsID available, gnomAD 0.003%). This variant has not been reported in the literature in individuals affected with SYNE1-related conditions. An algorithm developed to predict the effect of missense changes on protein structure and function (PolyPhen-2) suggests that this variant is likely to be tolerated. In summary, the available evidence is currently insufficient to determine the role of this variant in disease. Therefore, it has been classified as a Variant of Uncertain Significance.

NM_182961.4(SYNE1):c.24989C>T (p.Ala8330Val)

Gene: SYNE1 (spectrin repeat containing nuclear envelope protein 1; minus strand). Cytogenetic location: 6q25.2.
Variant type: single nucleotide variant.
Coding change: c.24989C>T on transcript NM_182961.4 (MANE Select); coding-DNA position 24989, C replaced by T.
Protein change: p.Ala8330Val; replaces alanine 8330 with valine.
Molecular consequence: missense variant.
Genome position (GRCh38, 1-based): chr6:152,143,753, G>A on the plus strand (C>T on the coding strand, the complement: SYNE1 is on the minus strand). VCF-style: chr6-152143753-G-A. GRCh37 (hg19) VCF-style: chr6-152464888-G-A.
Other names: c.1595C>T, p.Ala532Val (NM_001347701.2); c.1523C>T, p.Ala508Val (NM_001347702.2); c.24845C>T, p.Ala8282Val (NM_033071.5); short protein forms A8282V, A508V, A8330V, A532V.
Identifiers: ClinVar variation 2925900 (VCV002925900.4), dbSNP rs1441430017, ClinGen allele CA366083331.
Genomic context (GRCh38, chr6:152,143,753, plus strand): 5'-TGTATCTGAAAACGGCTATCATCCAGGGCTTTGCCCAGTTGTCGGATCTGTGACTCTAGG[G>A]CACTGTGGTCCCCTGCGGTGGCAACCATAAGAATCTTTACTGGACAAACTATTTGACTTA-3'
Protein context (NP_892006.3, residues 8320-8340): GAVGLSGDHS[Ala8330Val]LESQIRQLGK